The following is an entry in ClinVar:

NM_000322.5(PRPH2):c.903_906del (p.Ser301fs)

Gene: PRPH2 (peripherin 2; minus strand). Cytogenetic location: 6p21.1.
Variant type: Deletion.
Coding change: c.903_906del on transcript NM_000322.5 (MANE Select); coding-DNA positions 903 to 906, 4 bases deleted (CGAG; older notation c.903_906delCGAG).
Protein change: p.Ser301fs; shifts the reading frame from serine 301.
Molecular consequence: frameshift variant.
Genome position (GRCh38, 1-based): chr6:42,698,430-42,698,433, CTCG deleted on the plus strand (CGAG on the coding strand, the reverse complement: PRPH2 is on the minus strand); deleting any 4 consecutive bases within chr6:42,698,430-42,698,436 gives the same sequence; the c. name uses the placement nearest the transcript's 3' end. VCF-style (leftmost placement, unchanged base first): chr6-42698429-TCTCG-T. GRCh37 (hg19) VCF-style: chr6-42666167-TCTCG-T.
Other names: short protein forms S301fs.
Identifiers: ClinVar variation 866239 (VCV000866239.10), dbSNP rs1799988458, ClinGen allele CA916082825.

ClinVar aggregate classification (germline): Pathogenic/Likely pathogenic. Review status: criteria provided, multiple submitters, no conflicts (2 of 4 stars). 5 submissions from 4 submitters: Pathogenic (2); Likely pathogenic (2). 1 of the submissions does not count toward it. Last evaluated 2022-05-24.

Conditions:
Patterned dystrophy of the retinal pigment epithelium (MDPT1). Identifiers: Orphanet 63454, MedGen C1868569, MONDO:0018973.
PRPH2-related disorder. Also called: PRPH2-related disorders; PRPH2-related condition. Identifiers: MedGen CN239395.
Vitelliform macular dystrophy 2. Also called: MACULAR DEGENERATION, POLYMORPHIC VITELLINE; Best vitelliform macular dystrophy, multifocal; Best Macular Dystrophy; Best Vitelliform Macular Dystrophy (BVMD); VITELLIFORM MACULAR DYSTROPHY, EARLY-ONSET; VITELLIFORM MACULAR DYSTROPHY, JUVENILE-ONSET. Identifiers: Orphanet 1243, MedGen C2745945, MONDO:0007931, OMIM 153700.

Submissions (5):

Blueprint Genetics
Classification: Pathogenic for PRPH2-related disorders. Last evaluated: 2022-05-24. Review status: criteria provided, single submitter. Criteria: ACMG Guidelines, 2015. Collection method: clinical testing. Allele origin: germline. Affected: yes. Observed: 5 variant alleles.

Labcorp Genetics (formerly Invitae), Labcorp
Classification: Pathogenic for PRPH2-related disorder. Last evaluated: 2022-03-25. Review status: criteria provided, single submitter. Criteria: Invitae Variant Classification Sherloc (09022015). Collection method: clinical testing. Allele origin: germline.
Comment: This variant disrupts a region of the PRPH2 protein in which other variant(s) (p.Trp304*) have been determined to be pathogenic (Invitae). This suggests that this is a clinically significant region of the protein, and that variants that disrupt it are likely to be disease-causing. For these reasons, this variant has been classified as Pathogenic. ClinVar contains an entry for this variant (Variation ID: 866239). This premature translational stop signal has been observed in individual(s) with PRPH2-related conditions (PMID: 32531846). This variant is not present in population databases (gnomAD no frequency). This sequence change creates a premature translational stop signal (p.Ser301Argfs*22) in the PRPH2 gene. While this is not anticipated to result in nonsense mediated decay, it is expected to disrupt the last 46 amino acid(s) of the PRPH2 protein.

NEI Ophthalmic Genomics Laboratory, National Institutes of Health
Classification: Likely pathogenic for Patterned dystrophy of the retinal pigment epithelium. Last evaluated: 2020-01-07. Review status: criteria provided, single submitter. Criteria: ACMG Guidelines, 2015. Collection method: clinical testing. Allele origin: germline. Affected: yes.
Comment: The variant NM_000322.4:c.903_906del in the PRPH2 gene has not been reported to our knowledge . We found this variant in 3 patient(s) in a PRPH2 cohort study (Reeves et al. 2020). This variant is not listed in dbSNP and/or HGMD. It is absent in gnomAD browser. It is enriched in the PRPH2 disease cohort. We invoked ACMG criteria [PS4, PM2] and classified NM_000322.4:c.903_906del in the PRPH2 gene as a Likely Pathogenic mutation.

NEI Ophthalmic Genomics Laboratory, National Institutes of Health
Classification: Likely pathogenic for Vitelliform macular dystrophy 2. Last evaluated: 2020-01-07. Review status: criteria provided, single submitter. Criteria: ACMG Guidelines, 2015. Collection method: clinical testing. Allele origin: germline. Affected: yes.
Comment: the same text as in the submission from NEI Ophthalmic Genomics Laboratory, National Institutes of Health above.

Leiden Open Variation Database
Classification: Pathogenic. Last evaluated: 2021-04-06. Review status: no assertion criteria provided. Collection method: curation. Allele origin: germline. Affected: yes. Not counted in ClinVar's aggregate classification.
Comment: Curator: Global Variome, with Curator vacancy. Submitter to LOVD: Manon Peeters.

Literature cited by the submitters: PubMed 32531846 (cited by Labcorp Genetics (formerly Invitae), Labcorp and Leiden Open Variation Database).